The following is an entry in ClinVar:

ClinVar aggregate classification (germline): Uncertain significance (1 of 4 stars; one submission).

gnomAD v4.1: 1 of 1,556,290 alleles (0.000064%); no homozygotes.

Submission:

GeneDx
Classification: Uncertain significance. Last evaluated: 2023-06-30. Review status: criteria provided, single submitter. Criteria: GeneDx Variant Classification Process June 2021. Collection method: clinical testing. Allele origin: germline. Affected: yes.
Comment: Not observed at significant frequency in large population cohorts (gnomAD); Nonsense variant predicted to result in protein truncation or nonsense mediated decay in a gene or region of a gene for which loss of function is not a well-established mechanism of disease; Has not been previously published as pathogenic or benign to our knowledge; Variants in candidate genes are classified as variants of uncertain significance in accordance with ACMG guidelines (Richards et al., 2015)

NM_001079843.3(CASZ1):c.19G>T (p.Glu7Ter)

Gene: CASZ1 (castor zinc finger 1; minus strand). Cytogenetic location: 1p36.22.
Variant type: single nucleotide variant.
Coding change: c.19G>T on transcript NM_001079843.3 (MANE Select); coding-DNA position 19, G replaced by T.
Protein change: p.Glu7Ter; replaces glutamic acid 7 with a stop codon.
Molecular consequence: nonsense.
Genome position (GRCh38, 1-based): chr1:10,665,569, C>A on the plus strand (G>T on the coding strand, the complement: CASZ1 is on the minus strand). VCF-style: chr1-10665569-C-A. GRCh37 (hg19) VCF-style: chr1-10725626-C-A.
Other names: c.19G>T, p.Glu7Ter (NM_017766.5); short protein forms E7*.
Identifiers: ClinVar variation 3360760 (VCV003360760.1).